The following is an entry in ClinVar:

NM_001358530.2(MOCS1):c.470G>A (p.Gly157Asp)

Gene: MOCS1 (molybdenum cofactor synthesis 1; minus strand). Cytogenetic location: 6p21.2.
Variant type: single nucleotide variant.
Coding change: c.470G>A on transcript NM_001358530.2 (MANE Select); coding-DNA position 470, G replaced by A.
Protein change: p.Gly157Asp; replaces glycine 157 with aspartic acid.
Molecular consequence: missense variant. On other transcripts: non-coding transcript variant (1).
Genome position (GRCh38, 1-based): chr6:39,916,181, C>T on the plus strand (G>A on the coding strand, the complement: MOCS1 is on the minus strand). VCF-style: chr6-39916181-C-T. GRCh37 (hg19) VCF-style: chr6-39883925-C-T.
Other names: c.470G>A, p.Gly157Asp (NM_001075098.4, NM_001358529.2, NM_005943.6); c.209G>A, p.Gly70Asp (NM_001358531.2, NM_001358533.2, NM_001358534.2); short protein forms G157D, G70D.
Identifiers: ClinVar variation 4820348 (VCV004820348.1).

ClinVar aggregate classification (germline): Likely pathogenic (1 of 4 stars; one submission).

Conditions:
Paediatric disorders.

Submission:

North West Genomic Laboratory Hub, Manchester University NHS Foundation Trust
Classification: Likely pathogenic for Paediatric disorders. Last evaluated: 2025-06-25. Review status: criteria provided, single submitter. Criteria: ACGS Best Practice Guidelines for Variant Classification in Rare Disease 2024. Collection method: clinical testing. Allele origin: germline. Affected: yes.
Comment: PP4_Mod PM2_Mod PM3_Supp PP3_Supp